The following is an entry in ClinVar:

ClinVar aggregate classification (germline): Likely pathogenic (1 of 4 stars; one submission).

Submission:

Labcorp Genetics (formerly Invitae), Labcorp
Classification: Likely pathogenic. Last evaluated: 2023-07-28. Review status: criteria provided, single submitter. Criteria: Invitae Variant Classification Sherloc (09022015). Collection method: clinical testing. Allele origin: germline.
Comment: This variant results in the deletion of part of exon 61 (c.8471_8471+3del) of the VPS13A gene. It is expected to disrupt RNA splicing. Variants that disrupt the donor or acceptor splice site typically lead to a loss of protein function (PMID: 16199547), and loss-of-function variants in VPS13A are known to be pathogenic (PMID: 12404112, 21598378). This variant is not present in population databases (gnomAD no frequency). This variant has not been reported in the literature in individuals affected with VPS13A-related conditions. Algorithms developed to predict the effect of sequence changes on RNA splicing suggest that this variant may disrupt the consensus splice site. In summary, the currently available evidence indicates that the variant is pathogenic, but additional data are needed to prove that conclusively. Therefore, this variant has been classified as Likely Pathogenic.

Literature cited by the submitters: PubMed 16199547; PubMed 12404112; PubMed 21598378.

NM_033305.3(VPS13A):c.8471_8471+3del

Gene: VPS13A (vacuolar protein sorting 13 homolog A; plus strand). Cytogenetic location: 9q21.2.
Variant type: Deletion.
Coding change: c.8471_8471+3del on transcript NM_033305.3 (MANE Select); coding-DNA position 8471 through 3 bases into the intron after coding-DNA position 8471, 4 bases deleted (AGTA; older notation c.8471_8471+3delAGTA).
Molecular consequence: splice donor variant.
Genome position (GRCh38, 1-based): chr9:77,366,872-77,366,875, AGTA deleted; deleting any 4 consecutive bases within chr9:77,366,870-77,366,875 gives the same sequence; the c. name uses the placement nearest the transcript's 3' end. VCF-style (leftmost placement, unchanged base first): chr9-77366869-TTAAG-T. GRCh37 (hg19) VCF-style: chr9-79981785-TTAAG-T.
Other names: c.8354_8354+3del (NM_001018037.2); c.8471_8471+3del (NM_015186.4, NM_001018038.3).
Identifiers: ClinVar variation 2747771 (VCV002747771.3), dbSNP rs2538185624, ClinGen allele CA2697557805.